The following is an entry in ClinVar:

NM_005859.5(PURA):c.596G>A (p.Arg199His)

Gene: PURA (purine rich element binding protein A; plus strand). Cytogenetic location: 5q31.3.
Variant type: single nucleotide variant.
Coding change: c.596G>A on transcript NM_005859.5 (MANE Select); coding-DNA position 596, G replaced by A.
Protein change: p.Arg199His; replaces arginine 199 with histidine.
Molecular consequence: missense variant.
Genome position (GRCh38, 1-based): chr5:140,114,777, G>A. VCF-style: chr5-140114777-G-A. GRCh37 (hg19) VCF-style: chr5-139494362-G-A.
Other names: short protein forms R199H.
Identifiers: ClinVar variation 4532782 (VCV004532782.1).

ClinVar aggregate classification (germline): Pathogenic (1 of 4 stars; one submission).

Conditions:
PURA-related severe neonatal hypotonia-seizures-encephalopathy syndrome (NEDRIHF). Also called: NEURODEVELOPMENTAL DISORDER WITH NEONATAL RESPIRATORY INSUFFICIENCY, HYPOTONIA, AND FEEDING DIFFICULTIES; PURA-Related Neurodevelopmental Disorders. Identifiers: Orphanet 438213, Orphanet 438216, MedGen C4015357, MONDO:1060108, OMIM 616158, MONDO:0018580.

Submission:

Molecular Genetics Laboratory, Motol Hospital
Classification: Pathogenic for PURA-related severe neonatal hypotonia-seizures-encephalopathy syndrome. Last evaluated: 2025-11-28. Review status: criteria provided, single submitter. Criteria: ACMG Guidelines, 2015. Collection method: clinical testing. Allele origin: de novo. Affected: yes. Observed: 1 variant allele.
Comment: Not present in gnomAD (v4.1.0), dbSNP or ClinVar (PM2). Rare variants affecting the PURA gene are associated with autosomal dominant "neurodevelopmental disorder with neonatal respiratory insufficiency, hypotonia, and feeding difficulties" (NEDRIHF; MIM:616158; PMID:34116881;PMID:25342064;PMID:29097605;PMID:27148565). The non-truncating variant is located in a mutational hotspot in the exon 1 of the PURA gene (PM1). Different amino acid change c.596G>C is a known pathogenic variant (ClinVar Accession: VCV000156413.15) (PM5)To conclude, the variant c.596G>A is classified as pathogenic (PS2, PM2, PM1, PM5, PP2).

Literature cited by the submitters: PubMed 34116881; PubMed 25342064; PubMed 29097605; PubMed 27148565.